The following is an entry in ClinVar:

NM_006230.4(POLD2):c.758A>G (p.Gln253Arg)

Gene: POLD2 (DNA polymerase delta 2, accessory subunit; minus strand). Cytogenetic location: 7p13.
Variant type: single nucleotide variant.
Coding change: c.758A>G on transcript NM_006230.4 (MANE Select); coding-DNA position 758, A replaced by G.
Protein change: p.Gln253Arg; replaces glutamine 253 with arginine.
Molecular consequence: missense variant.
Genome position (GRCh38, 1-based): chr7:44,116,839, T>C on the plus strand (A>G on the coding strand, the complement: POLD2 is on the minus strand). VCF-style: chr7-44116839-T-C. GRCh37 (hg19) VCF-style: chr7-44156438-T-C.
Other names: c.758A>G, p.Gln253Arg (NM_001127218.3, NM_001256879.2); short protein forms Q253R.
Identifiers: ClinVar variation 2148247 (VCV002148247.4), dbSNP rs138945943, ClinGen allele CA4238740.
Genomic context (GRCh38, chr7:44,116,839, plus strand): 5'-CTGGGCTGGGGCTGAATGCAGCCAGGTGGGCTCCATACCTTATTGATAGAATCCCTGCTC[T>C]GGGTGCTGTGGCTGAGGAGGTTGCCAGCGAGGATAACCCGGGAGACGTGGGCGGCGCTGC-3'
Protein context (NP_006221.3, residues 243-263): LAGNLLSHST[Gln253Arg]SRDSINKAKY

ClinVar aggregate classification (germline): Uncertain significance (1 of 4 stars; one submission).

Allele frequency attached by ClinVar (database versions not stated): gnomAD 0.00001; gnomAD exomes 0.00001; TOPMed 0.00001; ExAC 0.00002; ESP Exome Variant Server 0.00008.
gnomAD v4.1: 16 of 1,613,824 alleles (0.00099%); highest among the groups gnomAD compares: Middle Eastern, 0.017%; no homozygotes.

Submission:

Labcorp Genetics (formerly Invitae), Labcorp
Classification: Uncertain significance. Last evaluated: 2022-04-10. Review status: criteria provided, single submitter. Criteria: Invitae Variant Classification Sherloc (09022015). Collection method: clinical testing. Allele origin: germline.
Comment: In summary, the available evidence is currently insufficient to determine the role of this variant in disease. Therefore, it has been classified as a Variant of Uncertain Significance. Algorithms developed to predict the effect of missense changes on protein structure and function are either unavailable or do not agree on the potential impact of this missense change (SIFT: "Tolerated"; PolyPhen-2: "Not Available"; Align-GVGD: "Class C0"). This variant has not been reported in the literature in individuals affected with POLD2-related conditions. This variant is present in population databases (rs138945943, gnomAD 0.004%). This sequence change replaces glutamine, which is neutral and polar, with arginine, which is basic and polar, at codon 288 of the POLD2 protein (p.Gln288Arg).